The following is an entry in ClinVar:

ClinVar aggregate classification (germline): Likely pathogenic. Review status: criteria provided, multiple submitters, no conflicts (2 of 4 stars). 3 submissions from 3 submitters: Likely pathogenic (3). Last evaluated 2025-08-11.

Conditions:
Von Hippel-Lindau syndrome (VHLS). Also called: von Hippel–Lindau syndrome; Von Hippel-Lindau; VHL syndrome. Identifiers: Orphanet 892, MedGen C0019562, MONDO:0008667, OMIM 193300. Disease mechanism: loss of function.
Hereditary cancer-predisposing syndrome. Also called: Tumor predisposition; Hereditary Cancer Syndrome; Hereditary neoplastic syndrome; Neoplastic Syndromes, Hereditary. Identifiers: Orphanet 140162, MedGen C0027672, MeSH D009386, MONDO:0015356.

Submissions (3):

Genetics Laboratory, Great Ormond Street Hospital NHS Foundation Trust, North Thames Genomic Laboratory Hub
Classification: Likely pathogenic for Von Hippel Lindau syndrome. Last evaluated: 2025-08-11. Review status: criteria provided, single submitter. Criteria: CanVIG Consensus Spec V3.0. Collection method: clinical testing. Allele origin: germline. Affected: yes.
Comment: PS4_supporting, PM2_supporting, PP3_supporting, PM5_moderate, PS3_moderate

Myriad Genetics, Inc.
Classification: Likely pathogenic for Von Hippel-Lindau syndrome. Last evaluated: 2024-01-24. Review status: criteria provided, single submitter. Criteria: Myriad Autosomal Dominant, Autosomal Recessive and X-Linked Classification Criteria (2023). Collection method: clinical testing. Allele origin: unknown.
Comment: This variant is considered likely pathogenic. This variant has been reported in multiple individuals with clinical features of gene-specific disease [PMID: 19755989, 12624160, 33720516, 12202531, 20978319, 8956040, 29748190]. This variant is expected to disrupt protein structure [Myriad internal data].

Ambry Genetics
Classification: Likely pathogenic for Hereditary cancer-predisposing syndrome. Last evaluated: 2023-10-31. Review status: criteria provided, single submitter. Criteria: Ambry Variant Classification Scheme 2023. Collection method: clinical testing. Allele origin: germline.
Comment: The p.S80R variant (also known as c.240T>A), located in coding exon 1 of the VHL gene, results from a T to A substitution at nucleotide position 240. The serine at codon 80 is replaced by arginine, an amino acid with dissimilar properties. Other alterations at the same codon, including p.S80R (c.240T>G) and p.S80G (c.238A>G), have been described in multiple individual with a personal and/or family history that is consistent with VHL-related disease (Crossey PA et al. Hum Mol Genet, 1994 Aug;3:1303-8; Woodward ER et al. Hum Mol Genet. 1997 Jul;6(7):1051-6; Assadi F & Brackbill EL. Am J Kidney Dis. 2003 Jan;41(1):E3; Erlic Z et al. Endocr Relat Cancer, 2010 Dec;17:875-83; Krauss T et al. Endocr Relat Cancer, 2018 Sep;25:783-793). This amino acid position is well conserved in available vertebrate species. In addition, this alteration is predicted to be deleterious by in silico analysis. Based on the majority of available evidence to date, this variant is likely to be pathogenic.

Literature cited by the submitters: PubMed 19755989 (cited by Myriad Genetics, Inc.); PubMed 12624160 (cited by Myriad Genetics, Inc.); PubMed 33720516 (cited by Myriad Genetics, Inc.); PubMed 12202531 (cited by Myriad Genetics, Inc.); PubMed 20978319 (cited by Myriad Genetics, Inc.); PubMed 8956040 (cited by Myriad Genetics, Inc.); PubMed 29748190 (cited by Myriad Genetics, Inc. and Ambry Genetics); PubMed 20660572 (cited by Ambry Genetics); PubMed 7987306 (cited by Ambry Genetics).

NM_000551.4(VHL):c.240T>A (p.Ser80Arg)

Gene: VHL (von Hippel-Lindau tumor suppressor; plus strand). Cytogenetic location: 3p25.3.
Variant type: single nucleotide variant.
Coding change: c.240T>A on transcript NM_000551.4 (MANE Select); coding-DNA position 240, T replaced by A.
Protein change: p.Ser80Arg; replaces serine 80 with arginine.
Molecular consequence: missense variant. On other transcripts: non-coding transcript variant (1).
Genome position (GRCh38, 1-based): chr3:10,142,087, T>A. VCF-style: chr3-10142087-T-A. GRCh37 (hg19) VCF-style: chr3-10183771-T-A.
Other names: c.240T>A, p.Ser80Arg (NM_001354723.2, NM_198156.3); short protein forms S80R.
Identifiers: ClinVar variation 3148494 (VCV003148494.2), dbSNP rs1553619424, ClinGen allele CA351750519.